The following is an entry in ClinVar:

ClinVar aggregate classification (germline): Uncertain significance (0 of 4 stars; one submission).

Conditions:
NRP2-related disorder. Also called: NRP2-related condition.

gnomAD v4.1: 3 of 1,613,110 alleles (0.00019%); highest among the groups gnomAD compares: African/African-American, 0.0027%; no homozygotes.

Submission:

PreventionGenetics, part of Exact Sciences
Classification: Uncertain significance for NRP2-related condition. Last evaluated: 2023-11-27. Review status: no assertion criteria provided. Collection method: clinical testing. Allele origin: germline.
Comment: The NRP2 c.2405-2A>G variant is predicted to disrupt the AG splice acceptor site and interfere with normal splicing. To our knowledge, this variant has not been reported in the literature or in a large population database, indicating this variant is rare. At this time, the clinical significance of this variant is uncertain due to the absence of conclusive functional and genetic evidence.

NM_003872.3(NRP2):c.2405-2A>G

Gene: NRP2 (neuropilin 2; plus strand). Cytogenetic location: 2q33.3.
Variant type: single nucleotide variant.
Coding change: c.2405-2A>G on transcript NM_003872.3 (MANE Select); the canonical splice acceptor site of the intron before coding-DNA position 2405, A replaced by G.
Molecular consequence: splice acceptor variant.
Genome position (GRCh38, 1-based): chr2:205,766,781, A>G. VCF-style: chr2-205766781-A-G. GRCh37 (hg19) VCF-style: chr2-206631505-A-G.
Other names: c.2405-2A>G (NM_201266.2, NM_201279.2, NM_018534.4 and 1 more transcripts).
Identifiers: ClinVar variation 3349574 (VCV003349574.1).